The following is an entry in ClinVar:

ClinVar aggregate classification (germline): Uncertain significance (1 of 4 stars; one submission).

Conditions:
Charcot-Marie-Tooth disease type 2. Also called: Charcot-Marie-Tooth type 2. Identifiers: Orphanet 64746, MedGen C0270914, MONDO:0018993.

Submission:

Labcorp Genetics (formerly Invitae), Labcorp
Classification: Uncertain significance for Charcot-Marie-Tooth disease type 2. Last evaluated: 2025-05-01. Review status: criteria provided, single submitter. Criteria: Invitae Variant Classification Sherloc (09022015). Collection method: clinical testing. Allele origin: germline.
Comment: This sequence change replaces aspartic acid, which is acidic and polar, with valine, which is neutral and non-polar, at codon 197 of the KIF1B protein (p.Asp197Val). This variant is not present in population databases (gnomAD no frequency). This variant has not been reported in the literature in individuals affected with KIF1B-related conditions. Invitae Evidence Modeling of protein sequence and biophysical properties (such as structural, functional, and spatial information, amino acid conservation, physicochemical variation, residue mobility, and thermodynamic stability) has been performed for this missense variant. However, the output from this modeling did not meet the statistical confidence thresholds required to predict the impact of this variant on KIF1B protein function. In summary, the available evidence is currently insufficient to determine the role of this variant in disease. Therefore, it has been classified as a Variant of Uncertain Significance.

NM_001365951.3(KIF1B):c.590A>T (p.Asp197Val)

Gene: KIF1B (kinesin family member 1B; plus strand). Cytogenetic location: 1p36.22.
Variant type: single nucleotide variant.
Coding change: c.590A>T on transcript NM_001365951.3 (MANE Select); coding-DNA position 590, A replaced by T.
Protein change: p.Asp197Val; replaces aspartic acid 197 with valine.
Molecular consequence: missense variant.
Genome position (GRCh38, 1-based): chr1:10,267,540, A>T. VCF-style: chr1-10267540-A-T. GRCh37 (hg19) VCF-style: chr1-10327598-A-T.
Other names: c.590A>T, p.Asp197Val (NM_001365952.1, NM_001365953.1, NM_015074.3 and 1 more transcripts); short protein forms D197V.
Identifiers: ClinVar variation 4741949 (VCV004741949.1).